The following is an entry in ClinVar:

NM_000186.4(CFH):c.3565C>A (p.Leu1189Ile)

Gene: CFH (complement factor H; plus strand). Cytogenetic location: 1q31.3.
Variant type: single nucleotide variant.
Coding change: c.3565C>A on transcript NM_000186.4 (MANE Select); coding-DNA position 3565, C replaced by A.
Protein change: p.Leu1189Ile; replaces leucine 1189 with isoleucine.
Molecular consequence: missense variant.
Genome position (GRCh38, 1-based): chr1:196,747,182, C>A. VCF-style: chr1-196747182-C-A. GRCh37 (hg19) VCF-style: chr1-196716312-C-A.
Other names: short protein forms L1189I.
Identifiers: ClinVar variation 4291614 (VCV004291614.1).
Genomic context (GRCh38, chr1:196,747,182, plus strand): 5'-ATATCCCGAGAAATTATGGAAAATTATAACATAGCATTAAGGTGGACAGCCAAACAGAAG[C>A]TTTATTCGAGAACAGGTGAATCAGTTGAATTTGTGTGTAAACGGGGATATCGTCTTTCAT-3'
Protein context (NP_000177.2, residues 1179-1199): IALRWTAKQK[Leu1189Ile]YSRTGESVEF

ClinVar aggregate classification (germline): Uncertain significance (1 of 4 stars; one submission).

Conditions:
Atypical hemolytic-uremic syndrome. Identifiers: Orphanet 2134, MedGen C2931788, MONDO:0016244.
Basal laminar drusen. Also called: DRUSEN OF BRUCH MEMBRANE; DRUSEN, CUTICULAR; DRUSEN, EARLY ADULT-ONSET, GROUPED. Identifiers: Orphanet 75376, MedGen C0730295, MONDO:0007472, OMIM 126700.
Factor H deficiency (CFHD). Also called: COMPLEMENT FACTOR H DEFICIENCY; CFH DEFICIENCY. Identifiers: Orphanet 200421, MedGen C0398777, MONDO:0012350, OMIM 609814.
Age related macular degeneration 4. Identifiers: MedGen C1853147, MONDO:0012540, OMIM 610698.

Submission:

Genomenon, Inc
Classification: Uncertain significance for Basal laminar drusen; Age related macular degeneration 4; Atypical hemolytic-uremic syndrome; Factor H deficiency. Last evaluated: 2025-10-02. Review status: criteria provided, single submitter. Criteria: Genomenon Sequence Variant Interpretation Standards - Updated. Collection method: curation. Allele origin: germline. Affected: no.
Comment: CFH p.Leu1189Ile (c.3565C>A) is a missense variant that changes the amino acid at residue 1189 from Leucine to Isoleucine. This variant has been reported in the published literature (PMID:21531728). It is absent or not present at a significant frequency in gnomAD. In silico models agree that this variant is not damaging. In conclusion, we classify CFH p.Leu1189Ile (c.3565C>A) as a variant of uncertain significance.

Literature cited by the submitters: PubMed 21531728.